The following is an entry in ClinVar:

NM_138387.4(G6PC3):c.211T>G (p.Phe71Val)

Genes: G6PC3 (glucose-6-phosphatase catalytic subunit 3; plus strand), LOC130060959 (ATAC-STARR-seq lymphoblastoid active region 12250; plus strand). Cytogenetic location: 17q21.31.
Variant type: single nucleotide variant.
Coding change: c.211T>G on transcript NM_138387.4 (MANE Select); coding-DNA position 211, T replaced by G.
Protein change: p.Phe71Val; replaces phenylalanine 71 with valine.
Molecular consequence: missense variant. On other transcripts: 5 prime UTR variant (3), intron variant (1).
Genome position (GRCh38, 1-based): chr17:44,071,176, T>G. VCF-style: chr17-44071176-T-G. GRCh37 (hg19) VCF-style: chr17-42148544-T-G.
Other names: c.211T>G, p.Phe71Val (NM_001319945.2); c.-194T>G (NM_001384165.1); c.-329T>G (NM_001384166.1); c.-319T>G (NM_001384167.1); c.-311-452T>G (NM_001384168.1); short protein forms F71V.
Identifiers: ClinVar variation 3518082 (VCV003518082.1).

ClinVar aggregate classification (germline): Uncertain significance (1 of 4 stars; one submission).

Conditions:
Inborn genetic diseases. Identifiers: MedGen C0950123, MeSH D030342.

Submission:

Ambry Genetics
Classification: Uncertain significance for Inborn genetic diseases. Last evaluated: 2024-12-08. Review status: criteria provided, single submitter. Criteria: Ambry Variant Classification Scheme 2023. Collection method: clinical testing. Allele origin: germline.
Comment: The p.F71V variant (also known as c.211T>G), located in coding exon 1 of the G6PC3 gene, results from a T to G substitution at nucleotide position 211. The phenylalanine at codon 71 is replaced by valine, an amino acid with highly similar properties. This amino acid position is conserved. In addition, the in silico prediction for this alteration is inconclusive. Based on the available evidence, the clinical significance of this variant remains unclear.